The following is an entry in ClinVar:

NM_001853.4(COL9A3):c.74C>A (p.Ala25Glu)

Gene: COL9A3 (collagen type IX alpha 3 chain; plus strand). Cytogenetic location: 20q13.33.
Variant type: single nucleotide variant.
Coding change: c.74C>A on transcript NM_001853.4 (MANE Select); coding-DNA position 74, C replaced by A.
Protein change: p.Ala25Glu; replaces alanine 25 with glutamic acid.
Molecular consequence: missense variant.
Genome position (GRCh38, 1-based): chr20:62,817,138, C>A. VCF-style: chr20-62817138-C-A. GRCh37 (hg19) VCF-style: chr20-61448490-C-A.
Other names: short protein forms A25E.
Identifiers: ClinVar variation 1510445 (VCV001510445.8), dbSNP rs1263866419, ClinGen allele CA409586961.

ClinVar aggregate classification (germline): Uncertain significance (1 of 4 stars; one submission).

gnomAD v4.1: 1 of 1,393,876 alleles (0.000072%); highest among the groups gnomAD compares: Admixed American, 0.0026%; no homozygotes.

Submission:

Labcorp Genetics (formerly Invitae), Labcorp
Classification: Uncertain significance. Last evaluated: 2025-03-25. Review status: criteria provided, single submitter. Criteria: Invitae Variant Classification Sherloc (09022015). Collection method: clinical testing. Allele origin: germline.
Comment: This sequence change replaces alanine, which is neutral and non-polar, with glutamic acid, which is acidic and polar, at codon 25 of the COL9A3 protein (p.Ala25Glu). The frequency data for this variant in the population databases is considered unreliable, as metrics indicate poor data quality at this position in the gnomAD database. This variant has not been reported in the literature in individuals affected with COL9A3-related conditions. ClinVar contains an entry for this variant (Variation ID: 1510445). Invitae Evidence Modeling of protein sequence and biophysical properties (such as structural, functional, and spatial information, amino acid conservation, physicochemical variation, residue mobility, and thermodynamic stability) indicates that this missense variant is not expected to disrupt COL9A3 protein function with a negative predictive value of 95%. In summary, the available evidence is currently insufficient to determine the role of this variant in disease. Therefore, it has been classified as a Variant of Uncertain Significance.